The following is an entry in ClinVar:

NM_015509.4(NECAP1):c.581A>G (p.Lys194Arg)

Gene: NECAP1 (NECAP endocytosis associated 1; plus strand). Cytogenetic location: 12p13.31.
Variant type: single nucleotide variant.
Coding change: c.581A>G on transcript NM_015509.4 (MANE Select); coding-DNA position 581, A replaced by G.
Protein change: p.Lys194Arg; replaces lysine 194 with arginine.
Molecular consequence: missense variant. On other transcripts: non-coding transcript variant (1).
Genome position (GRCh38, 1-based): chr12:8,092,960, A>G. VCF-style: chr12-8092960-A-G. GRCh37 (hg19) VCF-style: chr12-8245556-A-G.
Other names: short protein forms K194R.
Identifiers: ClinVar variation 475007 (VCV000475007.9), dbSNP rs765855460, ClinGen allele CA6432309.

ClinVar aggregate classification (germline): Uncertain significance. Review status: criteria provided, multiple submitters, no conflicts (2 of 4 stars). 3 submissions from 3 submitters: Uncertain significance (3). Last evaluated 2025-06-09.

Conditions:
Developmental and epileptic encephalopathy, 21 (DEE21). Also called: Early infantile epileptic encephalopathy 21. Identifiers: Orphanet 442835, MedGen C4014430, MONDO:0014360, OMIM 615833.
Inborn genetic diseases. Identifiers: MedGen C0950123, MeSH D030342.

Allele frequency attached by ClinVar (database versions not stated): gnomAD exomes 0.00006 and 0.00005; ExAC 0.00002; gnomAD 0.00006; TOPMed 0.00006.
gnomAD v4.1: 90 of 1,609,852 alleles (0.0056%); highest among the groups gnomAD compares: Non-Finnish European, 0.0076%; no homozygotes.

Submissions (3):

Ambry Genetics
Classification: Uncertain significance for Inborn genetic diseases. Last evaluated: 2025-06-09. Review status: criteria provided, single submitter. Criteria: Ambry Variant Classification Scheme 2023. Collection method: clinical testing. Allele origin: germline.

Labcorp Genetics (formerly Invitae), Labcorp
Classification: Uncertain significance for Developmental and epileptic encephalopathy, 21. Last evaluated: 2022-07-18. Review status: criteria provided, single submitter. Criteria: Invitae Variant Classification Sherloc (09022015). Collection method: clinical testing. Allele origin: germline.
Comment: This sequence change replaces lysine, which is basic and polar, with arginine, which is basic and polar, at codon 194 of the NECAP1 protein (p.Lys194Arg). This variant is present in population databases (rs765855460, gnomAD 0.01%). This variant has not been reported in the literature in individuals affected with NECAP1-related conditions. ClinVar contains an entry for this variant (Variation ID: 475007). Algorithms developed to predict the effect of missense changes on protein structure and function output the following: SIFT: "Tolerated"; PolyPhen-2: "Benign"; Align-GVGD: "Class C0". The arginine amino acid residue is found in multiple mammalian species, which suggests that this missense change does not adversely affect protein function. In summary, the available evidence is currently insufficient to determine the role of this variant in disease. Therefore, it has been classified as a Variant of Uncertain Significance.

Baylor Genetics
Classification: Uncertain significance for Developmental and epileptic encephalopathy, 21. Last evaluated: 2019-06-14. Review status: criteria provided, single submitter. Criteria: ACMG Guidelines, 2015. Collection method: clinical testing. Allele origin: unknown. Affected: yes.
Comment: This variant was determined to be of uncertain significance according to ACMG Guidelines, 2015 [PMID:25741868].